The following is an entry in ClinVar:

ClinVar aggregate classification (germline): Uncertain significance. Review status: criteria provided, multiple submitters, no conflicts (2 of 4 stars). 2 submissions from 2 submitters: Uncertain significance (2). Last evaluated 2018-09-19.

Conditions:
Baller-Gerold syndrome (BGS). Also called: CRANIOSYNOSTOSIS WITH RADIAL DEFECTS. Identifiers: Orphanet 1225, MedGen C0265308, MONDO:0009039, OMIM 218600.

Allele frequency attached by ClinVar (database versions not stated): gnomAD exomes below 0.00001.
gnomAD v4.1: 1 of 1,610,150 alleles (0.000062%); highest among the groups gnomAD compares: Non-Finnish European, 0.000085%; no homozygotes.

Submissions (2):

Labcorp Genetics (formerly Invitae), Labcorp
Classification: Uncertain significance for Baller-Gerold syndrome. Last evaluated: 2018-09-19. Review status: criteria provided, single submitter. Criteria: Invitae Variant Classification Sherloc (09022015). Collection method: clinical testing. Allele origin: germline.
Comment: This sequence change replaces glutamine with arginine at codon 181 of the RECQL4 protein (p.Gln181Arg). The glutamine residue is weakly conserved and there is a small physicochemical difference between glutamine and arginine. This variant is not present in population databases (ExAC no frequency). This variant has not been reported in the literature in individuals with RECQL4-related disease. Algorithms developed to predict the effect of missense changes on protein structure and function output the following: SIFT: "Tolerated"; PolyPhen-2: "Benign"; Align-GVGD: "Class C0". The arginine amino acid residue is found in multiple mammalian species, suggesting that this missense change does not adversely affect protein function. These predictions have not been confirmed by published functional studies and their clinical significance is uncertain. In summary, the available evidence is currently insufficient to determine the role of this variant in disease. Therefore, it has been classified as a Variant of Uncertain Significance.

Blueprint Genetics
Classification: Uncertain significance. Last evaluated: 2017-06-12. Review status: criteria provided, single submitter. Criteria: ACMG Guidelines, 2015. Collection method: clinical testing. Allele origin: germline.

NM_004260.4(RECQL4):c.542A>G (p.Gln181Arg)

Gene: RECQL4 (RecQ like helicase 4; minus strand). Cytogenetic location: 8q24.3.
Variant type: single nucleotide variant.
Coding change: c.542A>G on transcript NM_004260.4 (MANE Select); coding-DNA position 542, A replaced by G.
Protein change: p.Gln181Arg; replaces glutamine 181 with arginine.
Molecular consequence: missense variant.
Genome position (GRCh38, 1-based): chr8:144,516,577, T>C on the plus strand (A>G on the coding strand, the complement: RECQL4 is on the minus strand). VCF-style: chr8-144516577-T-C. GRCh37 (hg19) VCF-style: chr8-145741961-T-C.
Other names: short protein forms Q181R.
Identifiers: ClinVar variation 657189 (VCV000657189.5), dbSNP rs1001801628, ClinGen allele CA187689821.
Genomic context (GRCh38, chr8:144,516,577, plus strand): 5'-AAATCTGGGACCTCACTGTGACATCGCTGTAACCAGCCAGGATCTAGGGAGCCCAGCCGC[T>C]GGCTCAGGGATGCCTGCAGATGCTGGAGCCGGCCTGGCCTTGGCTGGGGCTCAGGGAGCT-3'
Protein context (NP_004251.4, residues 171-191): RLQHLQASLS[Gln181Arg]RLGSLDPGWL